The following is an entry in ClinVar:

ClinVar aggregate classification (germline): Uncertain significance (1 of 4 stars; one submission).

Conditions:
Spastic ataxia 2. Also called: Ataxia, spastic, 2, autosomal recessive. Identifiers: Orphanet 397946, MedGen C1969796, MONDO:0012651, OMIM 611302.

Submission:

Labcorp Genetics (formerly Invitae), Labcorp
Classification: Uncertain significance for Spastic ataxia 2. Last evaluated: 2025-11-13. Review status: criteria provided, single submitter. Criteria: Invitae Variant Classification Sherloc (09022015). Collection method: clinical testing. Allele origin: germline.
Comment: This sequence change replaces proline, which is neutral and non-polar, with threonine, which is neutral and polar, at codon 917 of the KIF1C protein (p.Pro917Thr). Information on the frequency of this variant in the gnomAD database is not available, as this variant may be reported differently in the database. This variant has not been reported in the literature in individuals affected with KIF1C-related conditions. ClinVar contains an entry for this variant (Variation ID: 468855). Experimental studies and prediction algorithms are not available or were not evaluated, and the functional significance of this variant is currently unknown. In summary, the available evidence is currently insufficient to determine the role of this variant in disease. Therefore, it has been classified as a Variant of Uncertain Significance.

NM_006612.6(KIF1C):c.2748_2749delinsGA (p.Pro917Thr)

Gene: KIF1C (kinesin family member 1C; plus strand). Cytogenetic location: 17p13.2.
Variant type: Indel.
Coding change: c.2748_2749delinsGA on transcript NM_006612.6 (MANE Select); coding-DNA positions 2748 to 2749, AC replaced by GA.
Protein change: p.Pro917Thr; replaces proline 917 with threonine.
Molecular consequence: missense variant.
Genome position (GRCh38, 1-based): chr17:5,023,587-5,023,588, AC replaced by GA. VCF-style: chr17-5023587-AC-GA. GRCh37 (hg19) VCF-style: chr17-4926882-AC-GA.
Other names: short protein forms P917T.
Identifiers: ClinVar variation 468855 (VCV000468855.7), dbSNP rs1555571945, ClinGen allele CA658658530.